The following is an entry in ClinVar:

NM_007294.4(BRCA1):c.3916_3917del (p.Leu1306fs)

Genes: BRCA1 (BRCA1 DNA repair associated; minus strand), LOC126862571 (BRD4-independent group 4 enhancer GRCh37_chr17:41243136-41244335; plus strand). Cytogenetic location: 17q21.31.
Variant type: Deletion.
Coding change: c.3916_3917del on transcript NM_007294.4 (MANE Select); coding-DNA positions 3916 to 3917, 2 bases deleted (TT; older notation c.3916_3917delTT).
Protein change: p.Leu1306fs; shifts the reading frame from leucine 1306.
Molecular consequence: frameshift variant. On other transcripts: intron variant (135).
Genome position (GRCh38, 1-based): chr17:43,091,614-43,091,615, AA deleted on the plus strand (TT on the coding strand, the reverse complement: BRCA1 is on the minus strand). VCF-style (leftmost placement, unchanged base first): chr17-43091613-CAA-C. GRCh37 (hg19) VCF-style: chr17-41243630-CAA-C.
Other names: 4035delTT; c.3703_3704del, p.Leu1235fs (NM_001407571.1, NM_001407896.1, NM_001407897.1 and 9 more transcripts); c.3916_3917del, p.Leu1306fs (NM_001407581.1, NM_001407582.1, NM_001407583.1 and 30 more transcripts); c.3913_3914del, p.Leu1305fs (NM_001407587.1, NM_001407590.1, NM_001407591.1 and 22 more transcripts); c.3907_3908del, p.Leu1303fs (NM_001407646.1, NM_001407647.1); c.3793_3794del, p.Leu1265fs (NM_001407648.1, NM_001407664.1, NM_001407665.1 and 19 more transcripts); c.3790_3791del, p.Leu1264fs (NM_001407649.1, NM_001407670.1, NM_001407685.1 and 11 more transcripts); c.3838_3839del, p.Leu1280fs (NM_001407663.1, NM_001407653.1, NM_001407654.1 and 4 more transcripts); and 42 more; short protein forms L1306fs, L1259fs, L1138fs, L1238fs, L1305fs, L438fs, L1178fs, L1179fs.
Identifiers: ClinVar variation 55049 (VCV000055049.22), dbSNP rs80357678, ClinGen allele CA002519.

ClinVar aggregate classification (germline): Pathogenic. Review status: reviewed by expert panel (3 of 4 stars). 13 submissions from 13 submitters: Pathogenic (1). 12 of the submissions do not count toward it. Last evaluated 2016-09-08.

Conditions:
Hereditary cancer-predisposing syndrome. Also called: Hereditary Cancer Syndrome; Hereditary neoplastic syndrome; Neoplastic Syndromes, Hereditary; Tumor predisposition. Identifiers: Orphanet 140162, MedGen C0027672, MeSH D009386, MONDO:0015356.
Hereditary breast ovarian cancer syndrome. Also called: BRCA1- and BRCA2-Associated Hereditary Breast and Ovarian Cancer; Hereditary breast and ovarian cancer syndrome; Hereditary breast and ovarian cancer syndrome (HBOC); Breast and ovarian cancer; Hereditary breast and/or ovarian cancer syndrome; Hereditary breast and ovarian cancer. Identifiers: Orphanet 145, MedGen C0677776, MeSH D061325, MONDO:0003582. Disease mechanism: loss of function.
Breast-ovarian cancer, familial, susceptibility to, 1 (BROVCA1). Also called: BRCA1 Hereditary Breast and Ovarian Cancer; OVARIAN CANCER, SUSCEPTIBILITY TO. Identifiers: Orphanet 145, MedGen C2676676, MONDO:0011450, OMIM 604370. Disease mechanism: loss of function.
Ovarian carcinoma. Identifiers: MedGen C4721610, MONDO:0005140, HP:0025318.

Submissions (13):

Evidence-based Network for the Interpretation of Germline Mutant Alleles (ENIGMA)
Classification: Pathogenic for Breast-ovarian cancer, familial, susceptibility to, 1. Last evaluated: 2016-09-08. Review status: reviewed by expert panel. Criteria: ENIGMA BRCA1/2 Classification Criteria (2015). Collection method: curation. Allele origin: germline.
Comment: Variant allele predicted to encode a truncated non-functional protein.

Labcorp Genetics (formerly Invitae), Labcorp
Classification: Pathogenic for Hereditary breast ovarian cancer syndrome. Last evaluated: 2026-01-18. Review status: criteria provided, single submitter. Criteria: Invitae Variant Classification Sherloc (09022015). Collection method: clinical testing. Allele origin: germline. Not counted in ClinVar's aggregate classification.
Comment: This sequence change creates a premature translational stop signal (p.Leu1306Aspfs*23) in the BRCA1 gene. It is expected to result in an absent or disrupted protein product. Loss-of-function variants in BRCA1 are known to be pathogenic (PMID: 20104584). This variant is not present in population databases (gnomAD no frequency). This premature translational stop signal has been observed in individual(s) with a BRCA1-related disease (PMID: 8808710, 20373018, 25452441, 26187060). This variant is also known as 4035delTT (L1306fs). ClinVar contains an entry for this variant (Variation ID: 55049). For these reasons, this variant has been classified as Pathogenic.

Ambry Genetics
Classification: Pathogenic for Hereditary cancer-predisposing syndrome. Last evaluated: 2024-09-24. Review status: criteria provided, single submitter. Criteria: Ambry Variant Classification Scheme 2023. Collection method: clinical testing. Allele origin: germline. Not counted in ClinVar's aggregate classification.
Comment: The c.3916_3917delTT pathogenic mutation, located in coding exon 9 of the BRCA1 gene, results from a deletion of two nucleotides at nucleotide positions 3916 to 3917, causing a translational frameshift with a predicted alternate stop codon (p.L1306Dfs*23). This mutation has been reported in multiple patients with hereditary breast and ovarian cancer (HBOC) (De Benedetti VM et al. Oncogene, 1996 Sep;13:1353-7; Zhang J et al. Breast Cancer Res Treat, 2012 Apr;132:421-8; Cao W et al. Anat Rec (Hoboken), 2013 Feb;296:273-8; Couch FJ et al. J Clin Oncol, 2015 Feb;33:304-11; Kwong A et al. J Med Genet, 2016 Jan;53:15-23; Kim YC et al. Oncotarget, 2016 Feb;7:9600-12; Azzollini J et al. Eur J Intern Med, 2016 Jul;32:65-71; Fernandes GC et al. Oncotarget, 2016 Dec;7:80465-80481; Shi T et al. Int J Cancer, 2017 05;140:2051-2059; Zhao Q et al. J Gynecol Oncol, 2017 Jul;28:e39; Sun J et al. Clin Cancer Res, 2017 Oct;23:6113-6119; Palmero EI et al. Sci Rep, 2018 06;8:9188; Chan GHJ et al. Oncotarget, 2018 Jul;9:30649-30660; Wang X et al. Mol Genet Genomic Med, 2019 06;7:e677; Concolino P et al. Int J Mol Sci, 2019 Jul;20; Zeng C et al. Breast Cancer Res Treat, 2020 Jun;181:465-473; Santonocito C et al. Cancers (Basel), 2020 May;12). This mutation has also been reported in patients with pancreatic cancer (Toss A et al. Cancers (Basel), 2019 Feb;11). This mutation has been reported to co-occur with mutations in BRCA2 (Zuradelli M et al. Breast Cancer Res. Treat. 2010 Nov;124:251-8; Rebbeck TR et al. Breast Cancer Res. 2016 Nov;18:112). This variant is considered to be rare based on population cohorts in the Genome Aggregation Database (gnomAD). In addition to the clinical data presented in the literature, this alteration is expected to result in loss of function by premature protein truncation or nonsense-mediated mRNA decay. As such, this alteration is interpreted as a disease-causing mutation.

GeneDx
Classification: Pathogenic. Last evaluated: 2023-12-04. Review status: criteria provided, single submitter. Criteria: GeneDx Variant Classification Process June 2021. Collection method: clinical testing. Allele origin: germline. Affected: yes. Not counted in ClinVar's aggregate classification.
Comment: Frameshift variant predicted to result in protein truncation or nonsense mediated decay in a gene for which loss of function is a known mechanism of disease; Not observed at significant frequency in large population cohorts (gnomAD); Truncating variants in this gene are considered pathogenic by a well-established clinical consortium and/or database; Also known as 4035_4036del; This variant is associated with the following publications: (PMID: 34570441, 29907814, 28541631, 30702160, 28176296, 30093976, 30968603, 30736435, 32318955, 31825140, 30875412, 35264596, 8808710, 20373018, 28724667, 32438681, 27062684, 27741520)

Color Diagnostics, LLC DBA Color Health
Classification: Pathogenic for Hereditary cancer-predisposing syndrome. Last evaluated: 2021-11-22. Review status: criteria provided, single submitter. Criteria: ACMG Guidelines, 2015. Collection method: clinical testing. Allele origin: germline. Not counted in ClinVar's aggregate classification.
Comment: This variant deletes 2 nucleotides in exon 10 of the BRCA1 gene, creating a frameshift and premature translation stop signal. This variant is also known as 4035delTT based on the BIC nomenclature. This variant is expected to result in an absent or non-functional protein product. This variant has been reported in individuals affected with breast and/or ovarian cancer (PMID: 11044645, 15340362, 20373018, 21614564, 25452441). This variant has not been identified in the general population by the Genome Aggregation Database (gnomAD). Loss of BRCA1 function is a known mechanism of disease. Based on the available evidence, this variant is classified as Pathogenic.

Quest Diagnostics Nichols Institute San Juan Capistrano
Classification: Pathogenic. Last evaluated: 2019-10-04. Review status: criteria provided, single submitter. Criteria: Quest Diagnostics criteria. Collection method: clinical testing. Allele origin: unknown. Not counted in ClinVar's aggregate classification.
Comment: The variant results in a shift of the reading frame, and is therefore predicted to result in the loss of a functional protein. Found in at least one patient with expected phenotype for this gene, and not found in general population data.

Mendelics
Classification: Pathogenic for Hereditary breast and ovarian cancer syndrome. Last evaluated: 2018-07-02. Review status: criteria provided, single submitter. Criteria: Mendelics Assertion Criteria 2017. Collection method: clinical testing. Allele origin: unknown. Not counted in ClinVar's aggregate classification.

Consortium of Investigators of Modifiers of BRCA1/2 (CIMBA), c/o University of Cambridge
Classification: Pathogenic for Breast-ovarian cancer, familial, susceptibility to, 1. Last evaluated: 2015-10-02. Review status: criteria provided, single submitter. Criteria: CIMBA Mutation Classification guidelines May 2016. Collection method: clinical testing. Allele origin: germline. Not counted in ClinVar's aggregate classification.

Medical Genetics Laboratory, Umraniye Training and Research Hospital, University of Health Sciences
Classification: Pathogenic for Ovarian carcinoma. Last evaluated: 2021-08-09. Review status: no assertion criteria provided. Collection method: clinical testing. Allele origin: germline. Affected: yes. Observed: 1 variant allele, 1 heterozygote. Not counted in ClinVar's aggregate classification.

Foundation for Research in Genetics and Endocrinology, FRIGE's Institute of Human Genetics
Classification: Likely pathogenic for Breast-ovarian cancer, familial, susceptibility to, 1. Last evaluated: 2016-11-02. Review status: no assertion criteria provided. Collection method: clinical testing. Allele origin: germline. Inheritance: Autosomal dominant inheritance. Affected: yes. Observed: 1 variant allele, 1 heterozygote. Not counted in ClinVar's aggregate classification.
Comment: This variant has previously been described as disease-causing for breast-ovarian cancer by De Benedetti et al. in 1996 and Zuradelli et al. in 2010 (HGMD professional 2015.3-PMID: 8808710 and 20373018). This variant has not been described by the Exome Sequencing Project, 1000 genome and ExAC. This variant has not been previously detected by CentoMD. However, this variant is been reported in two clinical entries in ClinVar as pathogenic.

Research Molecular Genetics Laboratory, Women's College Hospital, University of Toronto
Classification: Pathogenic for Hereditary breast ovarian cancer syndrome. Last evaluated: 2014-01-31. Review status: no assertion criteria provided. Collection method: research. Allele origin: germline. Affected: yes. Study: The Canadian Open Genetics Repository (COGR). Not counted in ClinVar's aggregate classification.

Sharing Clinical Reports Project (SCRP)
Classification: Pathogenic for Breast-ovarian cancer, familial 1. Last evaluated: 2012-10-03. Review status: no assertion criteria provided. Collection method: clinical testing. Allele origin: germline. Not counted in ClinVar's aggregate classification.

Breast Cancer Information Core (BIC) (BRCA1)
Classification: Pathogenic for Breast-ovarian cancer, familial 1. Last evaluated: 2002-05-29. Review status: no assertion criteria provided. Collection method: clinical testing. Allele origin: germline. Affected: yes. Observed: 11 variant alleles. Not counted in ClinVar's aggregate classification.

Literature cited by the submitters: PubMed 20104584 (cited by Labcorp Genetics (formerly Invitae), Labcorp); PubMed 8808710 (cited by 3 submitters); PubMed 20373018 (cited by 3 submitters); PubMed 25452441 (cited by 3 submitters); PubMed 26187060 (cited by Labcorp Genetics (formerly Invitae), Labcorp and Ambry Genetics); PubMed 21614564 (cited by Ambry Genetics and Color Diagnostics, LLC DBA Color Health); PubMed 23175448 (cited by Ambry Genetics); PubMed 26848529 (cited by Ambry Genetics); PubMed 27062684 (cited by Ambry Genetics and Quest Diagnostics Nichols Institute San Juan Capistrano); PubMed 27741520 (cited by Ambry Genetics); PubMed 27836010 (cited by Ambry Genetics); PubMed 28176296 (cited by Ambry Genetics); PubMed 28541631 (cited by Ambry Genetics); PubMed 28724667 (cited by Ambry Genetics); PubMed 29907814 (cited by Ambry Genetics and Quest Diagnostics Nichols Institute San Juan Capistrano); PubMed 30093976 (cited by Ambry Genetics); PubMed 30736435 (cited by Ambry Genetics); PubMed 30968603 (cited by Ambry Genetics); PubMed 31336956 (cited by Ambry Genetics); PubMed 32318955 (cited by Ambry Genetics); PubMed 32438681 (cited by Ambry Genetics); PubMed 11044645 (cited by Color Diagnostics, LLC DBA Color Health); PubMed 15340362 (cited by Color Diagnostics, LLC DBA Color Health); PubMed 30702160 (cited by Quest Diagnostics Nichols Institute San Juan Capistrano).